The following is an entry in ClinVar:

ClinVar aggregate classification (germline): Pathogenic. Review status: criteria provided, multiple submitters, no conflicts (2 of 4 stars). 2 submissions from 2 submitters: Pathogenic (2). Last evaluated 2025-04-01.

Conditions:
Osteogenesis imperfecta type I (OI1). Also called: Classic Non-deforming Osteogenesis Imperfecta with Blue Sclerae; Lobstein disease; OI, TYPE I; OSTEOGENESIS IMPERFECTA TARDA; OSTEOGENESIS IMPERFECTA WITH BLUE SCLERAE; Osteogenesis imperfecta type 1. Identifiers: Orphanet 216796, Orphanet 666, MedGen C0023931, MONDO:0008146, OMIM 166200. Disease mechanism: loss of function.

Submissions (2):

Women's Health and Genetics/Laboratory Corporation of America, LabCorp
Classification: Pathogenic for Osteogenesis imperfecta type I. Last evaluated: 2025-04-01. Review status: criteria provided, single submitter. Criteria: LabCorp Variant Classification Summary - May 2015. Collection method: clinical testing. Allele origin: germline.
Comment: Variant summary: COL1A1 c.1228G>A (p.Gly410Ser) results in a non-conservative amino acid change located in the Collagen triple helix repeat (20 copies) (IPR008160) of the encoded protein sequence. This missense variant disrupts a critical glycine residue at 1 of a Gly-X-Y repeat in the collagenous domain of the collagen I Alpha 1 chain, and variants affecting these glycine residues are significantly enriched in individuals with Osteogenesis imperfecta type I (PMID: 2794057). Five of five in-silico tools predict a damaging effect of the variant on protein function. The variant was absent in 250870 control chromosomes. c.1228G>A has been reported in the literature in individuals affected with Osteogenesis imperfecta type I (Marini_, Invitae). These report(s) suggest that this variant is very likely to be associated with Osteogenesis imperfecta type I. To our knowledge, no experimental evidence demonstrating an impact on protein function has been reported. The following publication have been ascertained in the context of this evaluation (PMID: 17078022). ClinVar contains an entry for this variant (Variation ID: 2736626). Based on the evidence outlined above, the variant was classified as pathogenic.

Labcorp Genetics (formerly Invitae), Labcorp
Classification: Pathogenic for Osteogenesis imperfecta type I. Last evaluated: 2023-08-04. Review status: criteria provided, single submitter. Criteria: Invitae Variant Classification Sherloc (09022015). Collection method: clinical testing. Allele origin: germline.
Comment: For these reasons, this variant has been classified as Pathogenic. This variant disrupts the p.Gly410 amino acid residue in COL1A1. Other variant(s) that disrupt this residue have been observed in individuals with COL1A1-related conditions (Invitae), which suggests that this may be a clinically significant amino acid residue. This variant disrupts the triple helix domain of COL1A1. Glycine residues within the Gly-Xaa-Yaa repeats of the triple helix domain are required for the structure and stability of fibrillar collagens (PMID: 7695699, 8218237, 19344236). In COL1A1, variants affecting these glycine residues are significantly enriched in individuals with disease (PMID: 9016532, 17078022) compared to the general population (ExAC). Advanced modeling of protein sequence and biophysical properties (such as structural, functional, and spatial information, amino acid conservation, physicochemical variation, residue mobility, and thermodynamic stability) performed at Invitae indicates that this missense variant is expected to disrupt COL1A1 protein function. This missense change has been observed in individuals with clinical features of autosomal dominant osteogenesis imperfecta (PMID: 17078022; Invitae). This variant is not present in population databases (gnomAD no frequency). This sequence change replaces glycine, which is neutral and non-polar, with serine, which is neutral and polar, at codon 410 of the COL1A1 protein (p.Gly410Ser).

Literature cited by the submitters: PubMed 17078022 (cited by Women's Health and Genetics/Laboratory Corporation of America, LabCorp and Labcorp Genetics (formerly Invitae), Labcorp); PubMed 7695699 (cited by Labcorp Genetics (formerly Invitae), Labcorp); PubMed 8218237 (cited by Labcorp Genetics (formerly Invitae), Labcorp); PubMed 19344236 (cited by Labcorp Genetics (formerly Invitae), Labcorp); PubMed 9016532 (cited by Labcorp Genetics (formerly Invitae), Labcorp).

NM_000088.4(COL1A1):c.1228G>A (p.Gly410Ser)

Gene: COL1A1 (collagen type I alpha 1 chain; minus strand). Cytogenetic location: 17q21.33.
Variant type: single nucleotide variant.
Coding change: c.1228G>A on transcript NM_000088.4 (MANE Select); coding-DNA position 1228, G replaced by A.
Protein change: p.Gly410Ser; replaces glycine 410 with serine.
Molecular consequence: missense variant.
Genome position (GRCh38, 1-based): chr17:50,195,303, C>T on the plus strand (G>A on the coding strand, the complement: COL1A1 is on the minus strand). VCF-style: chr17-50195303-C-T. GRCh37 (hg19) VCF-style: chr17-48272664-C-T.
Other names: short protein forms G410S.
Identifiers: ClinVar variation 2736626 (VCV002736626.5), dbSNP rs72648324, ClinGen allele CA291546660.
Genomic context (GRCh38, chr17:50,195,303, plus strand): 5'-TGGGACCAGGAGGGCCGCCGGGGCCCTGGGGTCCAGAGGGGCCTCGGGCACCAGGGAAGC[C>T]AGGAGCACCAGCAATACCAGGAGCACCCTGTGGGAGGCAGACAGCCAGGGCGTGAGCCTA-3'
Protein context (NP_000079.2, residues 400-420): NGAPGIAGAP[Gly410Ser]FPGARGPSGP